The following is an entry in ClinVar:

NM_012309.5(SHANK2):c.3025C>T (p.Arg1009Trp)

Gene: SHANK2 (SH3 and multiple ankyrin repeat domains 2; minus strand). Cytogenetic location: 11q13.3.
Variant type: single nucleotide variant.
Coding change: c.3025C>T on transcript NM_012309.5 (MANE Select); coding-DNA position 3025, C replaced by T.
Protein change: p.Arg1009Trp; replaces arginine 1009 with tryptophan.
Molecular consequence: missense variant.
Genome position (GRCh38, 1-based): chr11:70,487,268, G>A on the plus strand (C>T on the coding strand, the complement: SHANK2 is on the minus strand). VCF-style: chr11-70487268-G-A. GRCh37 (hg19) VCF-style: chr11-70333373-G-A.
Other names: c.1888C>T, p.Arg630Trp (NM_001379226.1); c.1261C>T, p.Arg421Trp (NM_133266.5); short protein forms R1009W, R421W, R630W.
Identifiers: ClinVar variation 2663609 (VCV002663609.1), dbSNP rs2058823609, ClinGen allele CA381688048.

ClinVar aggregate classification (germline): Uncertain significance (1 of 4 stars; one submission).

Allele frequency attached by ClinVar (database versions not stated): gnomAD 0.00001.
gnomAD v4.1: 2 of 1,614,092 alleles (0.00012%); highest among the groups gnomAD compares: Non-Finnish European, 0.00017%; no homozygotes.

Submission:

GeneDx
Classification: Uncertain significance. Last evaluated: 2023-03-17. Review status: criteria provided, single submitter. Criteria: GeneDx Variant Classification Process June 2021. Collection method: clinical testing. Allele origin: germline. Affected: yes.
Comment: Not observed at significant frequency in large population cohorts (gnomAD); In silico analysis supports that this missense variant has a deleterious effect on protein structure/function; Has not been previously published as pathogenic or benign to our knowledge